The following is an entry in ClinVar:

NM_001378120.1(MBD5):c.2371G>A (p.Gly791Arg)

Gene: MBD5 (methyl-CpG binding domain protein 5; plus strand). Cytogenetic location: 2q23.1.
Variant type: single nucleotide variant.
Coding change: c.2371G>A on transcript NM_001378120.1 (MANE Select); coding-DNA position 2371, G replaced by A.
Protein change: p.Gly791Arg; replaces glycine 791 with arginine.
Molecular consequence: missense variant.
Genome position (GRCh38, 1-based): chr2:148,470,314, G>A. VCF-style: chr2-148470314-G-A. GRCh37 (hg19) VCF-style: chr2-149227883-G-A.
Other names: c.2371G>A, p.Gly791Arg (NM_018328.5); short protein forms G791R.
Identifiers: ClinVar variation 331339 (VCV000331339.12), dbSNP rs769480362, ClinGen allele CA1900129.

ClinVar aggregate classification (germline): Conflicting classifications of pathogenicity. Review status: criteria provided, conflicting classifications (1 of 4 stars). 2 submissions from 2 submitters: Uncertain significance (1); Likely benign (1). Last evaluated 2025-03-20.

Conditions:
Inborn genetic diseases. Identifiers: MedGen C0950123, MeSH D030342.
Intellectual developmental disorder, autosomal dominant 1. Also called: Intellectual disability, autosomal dominant 1; MBD5 Haploinsufficiency. Identifiers: Orphanet 228402, MedGen C1969562, MONDO:0007974, OMIM 156200.

Allele frequency attached by ClinVar (database versions not stated): TOPMed 0.00001; gnomAD 0.00003; ExAC 0.00001; gnomAD exomes 0.00001.
gnomAD v4.1: 12 of 1,613,786 alleles (0.00074%); highest among the groups gnomAD compares: South Asian, 0.0033%; no homozygotes.

Submissions (2):

Labcorp Genetics (formerly Invitae), Labcorp
Classification: Uncertain significance for Intellectual developmental disorder, autosomal dominant 1. Last evaluated: 2025-03-20. Review status: criteria provided, single submitter. Criteria: Invitae Variant Classification Sherloc (09022015). Collection method: clinical testing. Allele origin: germline.
Comment: This sequence change replaces glycine, which is neutral and non-polar, with arginine, which is basic and polar, at codon 791 of the MBD5 protein (p.Gly791Arg). This variant is present in population databases (rs769480362, gnomAD 0.01%). This variant has not been reported in the literature in individuals affected with MBD5-related conditions. ClinVar contains an entry for this variant (Variation ID: 331339). Invitae Evidence Modeling of protein sequence and biophysical properties (such as structural, functional, and spatial information, amino acid conservation, physicochemical variation, residue mobility, and thermodynamic stability) indicates that this missense variant is not expected to disrupt MBD5 protein function with a negative predictive value of 80%. In summary, the available evidence is currently insufficient to determine the role of this variant in disease. Therefore, it has been classified as a Variant of Uncertain Significance.

Ambry Genetics
Classification: Likely benign for Inborn genetic diseases. Last evaluated: 2024-09-27. Review status: criteria provided, single submitter. Criteria: Ambry Variant Classification Scheme 2023. Collection method: clinical testing. Allele origin: germline.